The following is an entry in ClinVar:

ClinVar aggregate classification (germline): Uncertain significance (1 of 4 stars; one submission).

Conditions:
Bethlem myopathy 1A. Also called: Bethlem myopathy 1; MYOPATHY, BENIGN CONGENITAL, WITH CONTRACTURES; Bethlem Muscular Dystrophy. Identifiers: Orphanet 610, MedGen CN029274, MONDO:0024530, OMIM 158810.

Submission:

Labcorp Genetics (formerly Invitae), Labcorp
Classification: Uncertain significance for Bethlem myopathy 1A. Last evaluated: 2023-03-08. Review status: criteria provided, single submitter. Criteria: Invitae Variant Classification Sherloc (09022015). Collection method: clinical testing. Allele origin: germline.
Comment: This variant is not present in population databases (gnomAD no frequency). This variant has not been reported in the literature in individuals affected with COL6A1-related conditions. Experimental studies and prediction algorithms are not available or were not evaluated, and the functional significance of this variant is currently unknown. Algorithms developed to predict the effect of sequence changes on RNA splicing suggest that this variant may create or strengthen a splice site. In summary, the available evidence is currently insufficient to determine the role of this variant in disease. Therefore, it has been classified as a Variant of Uncertain Significance. This sequence change replaces glutamic acid, which is acidic and polar, with glutamine, which is neutral and polar, at codon 197 of the COL6A1 protein (p.Glu197Gln).

NM_001848.3(COL6A1):c.589G>C (p.Glu197Gln)

Gene: COL6A1 (collagen type VI alpha 1 chain; plus strand). Cytogenetic location: 21q22.3.
Variant type: single nucleotide variant.
Coding change: c.589G>C on transcript NM_001848.3 (MANE Select); coding-DNA position 589, G replaced by C.
Protein change: p.Glu197Gln; replaces glutamic acid 197 with glutamine.
Molecular consequence: missense variant.
Genome position (GRCh38, 1-based): chr21:45,986,944, G>C. VCF-style: chr21-45986944-G-C. GRCh37 (hg19) VCF-style: chr21-47406858-G-C.
Other names: short protein forms E197Q.
Identifiers: ClinVar variation 2843933 (VCV002843933.3), dbSNP rs2526315934, ClinGen allele CA410518370.